The following is an entry in ClinVar:

ClinVar aggregate classification (germline): Uncertain significance (1 of 4 stars; one submission).

Conditions:
Hereditary spastic paraplegia 28. Also called: Spastic paraplegia 28, autosomal recessive. Identifiers: Orphanet 101008, MedGen C1836295, MONDO:0012256, OMIM 609340.

Allele frequency attached by ClinVar (database versions not stated): TOPMed 0.00003; gnomAD 0.00006.
gnomAD v4.1: 55 of 1,613,718 alleles (0.0034%); highest among the groups gnomAD compares: Admixed American, 0.0083%; no homozygotes.

Submission:

Labcorp Genetics (formerly Invitae), Labcorp
Classification: Uncertain significance for Hereditary spastic paraplegia 28. Last evaluated: 2024-01-22. Review status: criteria provided, single submitter. Criteria: Invitae Variant Classification Sherloc (09022015). Collection method: clinical testing. Allele origin: germline.
Comment: This sequence change replaces glycine, which is neutral and non-polar, with valine, which is neutral and non-polar, at codon 226 of the DDHD1 protein (p.Gly226Val). This variant is present in population databases (no rsID available, gnomAD 0.003%). This variant has not been reported in the literature in individuals affected with DDHD1-related conditions. ClinVar contains an entry for this variant (Variation ID: 2037470). Algorithms developed to predict the effect of missense changes on protein structure and function output the following: SIFT: "Not Available"; PolyPhen-2: "Benign"; Align-GVGD: "Not Available". The valine amino acid residue is found in multiple mammalian species, which suggests that this missense change does not adversely affect protein function. In summary, the available evidence is currently insufficient to determine the role of this variant in disease. Therefore, it has been classified as a Variant of Uncertain Significance.

NM_001160148.2(DDHD1):c.677G>T (p.Gly226Val)

Gene: DDHD1 (DDHD domain containing 1; minus strand). Cytogenetic location: 14q22.1.
Variant type: single nucleotide variant.
Coding change: c.677G>T on transcript NM_001160148.2 (MANE Select); coding-DNA position 677, G replaced by T.
Protein change: p.Gly226Val; replaces glycine 226 with valine.
Molecular consequence: missense variant.
Genome position (GRCh38, 1-based): chr14:53,152,422, C>A on the plus strand (G>T on the coding strand, the complement: DDHD1 is on the minus strand). VCF-style: chr14-53152422-C-A. GRCh37 (hg19) VCF-style: chr14-53619140-C-A.
Other names: c.677G>T, p.Gly226Val (NM_001160147.2, NM_030637.3); short protein forms G226V.
Identifiers: ClinVar variation 2037470 (VCV002037470.2), dbSNP rs980371477, ClinGen allele CA261383482.
Genomic context (GRCh38, chr14:53,152,422, plus strand): 5'-GGCTCGTGCCCCGTCGTACTCTGGCAGAAGCCGCAGGCGCGGTCCTCATCGTCATCTTCT[C>A]CGGAACTGGAGGCTGGGCCCGTGGGGGAGCACACATGGTCGCCGTCCCGGTCCCCGCCCT-3'
Protein context (NP_001153620.1, residues 216-236): CSPTGPASSS[Gly226Val]EDDDEDRACG